The following is an entry in ClinVar:

NM_002340.6(LSS):c.1693G>C (p.Glu565Gln)

Gene: LSS (lanosterol synthase; minus strand). Cytogenetic location: 21q22.3.
Variant type: single nucleotide variant.
Coding change: c.1693G>C on transcript NM_002340.6 (MANE Select); coding-DNA position 1693, G replaced by C.
Protein change: p.Glu565Gln; replaces glutamic acid 565 with glutamine.
Molecular consequence: missense variant.
Genome position (GRCh38, 1-based): chr21:46,196,245, C>G on the plus strand (G>C on the coding strand, the complement: LSS is on the minus strand). VCF-style: chr21-46196245-C-G. GRCh37 (hg19) VCF-style: chr21-47616159-C-G.
Other names: c.1693G>C, p.Glu565Gln (NM_001001438.3); c.1660G>C, p.Glu554Gln (NM_001145436.2); c.1453G>C, p.Glu485Gln (NM_001145437.2); short protein forms E485Q, E565Q, E554Q.
Identifiers: ClinVar variation 2182830 (VCV002182830.2), dbSNP rs774561199, ClinGen allele CA10074901.

ClinVar aggregate classification (germline): Uncertain significance (1 of 4 stars; one submission).

Allele frequency attached by ClinVar (database versions not stated): gnomAD 0.00001; ExAC 0.00002; gnomAD exomes 0.00002; TOPMed 0.00003.
gnomAD v4.1: 24 of 1,614,090 alleles (0.0015%); highest among the groups gnomAD compares: Admixed American, 0.04%; no homozygotes.

Submission:

Labcorp Genetics (formerly Invitae), Labcorp
Classification: Uncertain significance. Last evaluated: 2022-05-20. Review status: criteria provided, single submitter. Criteria: Invitae Variant Classification Sherloc (09022015). Collection method: clinical testing. Allele origin: germline.
Comment: In summary, the available evidence is currently insufficient to determine the role of this variant in disease. Therefore, it has been classified as a Variant of Uncertain Significance. Algorithms developed to predict the effect of missense changes on protein structure and function output the following: SIFT: "Tolerated"; PolyPhen-2: "Benign"; Align-GVGD: "Class C0". The glutamine amino acid residue is found in multiple mammalian species, which suggests that this missense change does not adversely affect protein function. This variant has not been reported in the literature in individuals affected with LSS-related conditions. This variant is present in population databases (rs774561199, gnomAD 0.04%). This sequence change replaces glutamic acid, which is acidic and polar, with glutamine, which is neutral and polar, at codon 565 of the LSS protein (p.Glu565Gln).